The following is an entry in ClinVar:

ClinVar aggregate classification (germline): Uncertain significance (1 of 4 stars; one submission).

Conditions:
Epileptic encephalopathy. Identifiers: MedGen C0543888, HP:0200134.

Allele frequency attached by ClinVar (database versions not stated): gnomAD exomes below 0.00001; TOPMed 0.00001.

Submission:

Labcorp Genetics (formerly Invitae), Labcorp
Classification: Uncertain significance for Epileptic encephalopathy. Last evaluated: 2023-07-07. Review status: criteria provided, single submitter. Criteria: Invitae Variant Classification Sherloc (09022015). Collection method: clinical testing. Allele origin: germline.
Comment: In summary, the available evidence is currently insufficient to determine the role of this variant in disease. Therefore, it has been classified as a Variant of Uncertain Significance. Algorithms developed to predict the effect of missense changes on protein structure and function output the following: SIFT: "Not Available"; PolyPhen-2: "Benign"; Align-GVGD: "Not Available". The isoleucine amino acid residue is found in multiple mammalian species, which suggests that this missense change does not adversely affect protein function. ClinVar contains an entry for this variant (Variation ID: 964545). This variant has not been reported in the literature in individuals affected with FASN-related conditions. This variant is present in population databases (no rsID available, gnomAD 0.0009%). This sequence change replaces threonine, which is neutral and polar, with isoleucine, which is neutral and non-polar, at codon 1061 of the FASN protein (p.Thr1061Ile).

NM_004104.5(FASN):c.3182C>T (p.Thr1061Ile)

Gene: FASN (fatty acid synthase; minus strand). Cytogenetic location: 17q25.3.
Variant type: single nucleotide variant.
Coding change: c.3182C>T on transcript NM_004104.5 (MANE Select); coding-DNA position 3182, C replaced by T.
Protein change: p.Thr1061Ile; replaces threonine 1061 with isoleucine.
Molecular consequence: missense variant.
Genome position (GRCh38, 1-based): chr17:82,087,366, G>A on the plus strand (C>T on the coding strand, the complement: FASN is on the minus strand). VCF-style: chr17-82087366-G-A. GRCh37 (hg19) VCF-style: chr17-80045242-G-A.
Other names: short protein forms T1061I.
Identifiers: ClinVar variation 964545 (VCV000964545.9), dbSNP rs1026002260, ClinGen allele CA295132817.